The following is an entry in ClinVar:

NM_007078.3(LDB3):c.1676+250G>A

Gene: LDB3 (LIM domain binding 3; plus strand). Cytogenetic location: 10q23.2.
Variant type: single nucleotide variant.
Coding change: c.1676+250G>A on transcript NM_007078.3 (MANE Select); 250 bases into the intron after coding-DNA position 1676, G replaced by A.
Molecular consequence: intron variant.
Genome position (GRCh38, 1-based): chr10:86,717,021, G>A. VCF-style: chr10-86717021-G-A. GRCh37 (hg19) VCF-style: chr10-88476778-G-A.
Other names: c.1487+250G>A (NM_001368064.1, NM_001368065.1); c.1691+250G>A (NM_001171610.2); c.1535+250G>A (NM_001368066.1); c.1346+250G>A (NM_001080114.2).
Identifiers: ClinVar variation 683956 (VCV000683956.1), dbSNP rs7910307, ClinGen allele CA15649351.

ClinVar aggregate classification (germline): Benign (1 of 4 stars; one submission).

Allele frequency attached by ClinVar (database versions not stated): gnomAD 0.23380 and 0.23814; TOPMed 0.23843; 1000 Genomes Project 30x 0.28763; 1000 Genomes Project 0.29173.
gnomAD v4.1: 36,096 of 152,190 alleles (24%); highest among the groups gnomAD compares: East Asian, 60%; 4,773 homozygotes.

Submission:

GeneDx
Classification: Benign. Last evaluated: 2018-06-18. Review status: criteria provided, single submitter. Criteria: GeneDx Variant Classification (06012015). Collection method: clinical testing. Allele origin: germline. Affected: yes.
Comment: This variant is considered likely benign or benign based on one or more of the following criteria: it is a conservative change, it occurs at a poorly conserved position in the protein, it is predicted to be benign by multiple in silico algorithms, and/or has population frequency not consistent with disease.